The following is an entry in ClinVar:

NM_000419.5(ITGA2B):c.1608del (p.Asn536fs)

Gene: ITGA2B (integrin subunit alpha 2b; minus strand). Cytogenetic location: 17q21.31.
Variant type: Deletion.
Coding change: c.1608del on transcript NM_000419.5 (MANE Select); coding-DNA position 1608, one base deleted (T; older notation c.1608delT).
Protein change: p.Asn536fs; shifts the reading frame from asparagine 536.
Molecular consequence: frameshift variant.
Genome position (GRCh38, 1-based): chr17:44,380,146, A deleted on the plus strand (T on the coding strand, the reverse complement: ITGA2B is on the minus strand). VCF-style (leftmost placement, unchanged base first): chr17-44380145-CA-C. GRCh37 (hg19) VCF-style: chr17-42457513-CA-C.
Other names: short protein forms N536fs.
Identifiers: ClinVar variation 1210196 (VCV001210196.1), dbSNP rs2143459811, ClinGen allele CA915940296.

ClinVar aggregate classification (germline): Pathogenic (3 of 4 stars; one submission).

Conditions:
Glanzmann thrombasthenia. Also called: BLEEDING DISORDER, PLATELET-TYPE, 2; THROMBASTHENIA OF GLANZMANN AND NAEGELI; PLATELET GLYCOPROTEIN IIb-IIIa DEFICIENCY; Thrombasthenia; Glanzmann's thrombasthenia. Identifiers: Orphanet 849, MedGen C0040015, MONDO:0100326.

Submission:

ClinGen Platelet Disorders Variant Curation Expert Panel, ClinGen
Classification: Pathogenic for Glanzmann thrombasthenia. Last evaluated: 2021-01-06. Review status: reviewed by expert panel. Criteria: ClinGen Platelet ACMG Specifications v2. Collection method: curation. Allele origin: germline. Inheritance: Autosomal recessive inheritance.
Comment: The ITGA2B frameshift variant NM_000419.5:c.1608del is expected to introduce a premature termination codon 29 amino acids downstream (p.Asn536LysfsTer29) and the resulting mRNA product is predicted to undergo nonsense mediated decay, leading to loss of normal protein function. This variant has been observed in homozygosity in one individual with a phenotype specific for Glanzmann's thrombasthenia (GT) (Patient F, PMID: 26096001). Furthermore, this variant is absent from population databases. In summary, this variant meets criteria to be classified as pathogenic for GT. GT-specific criteria applied: PVS1, PP4_moderate, PM2_supporting, and PM3_supporting.